The following is an entry in ClinVar:

NM_024675.4(PALB2):c.532G>T (p.Glu178Ter)

Gene: PALB2 (partner and localizer of BRCA2; minus strand). Cytogenetic location: 16p12.2.
Variant type: single nucleotide variant.
Coding change: c.532G>T on transcript NM_024675.4 (MANE Select); coding-DNA position 532, G replaced by T.
Protein change: p.Glu178Ter; replaces glutamic acid 178 with a stop codon.
Molecular consequence: nonsense. On other transcripts: 5 prime UTR variant (8), intron variant (3).
Genome position (GRCh38, 1-based): chr16:23,636,014, C>A on the plus strand (G>T on the coding strand, the complement: PALB2 is on the minus strand). VCF-style: chr16-23636014-C-A. GRCh37 (hg19) VCF-style: chr16-23647335-C-A.
Other names: c.472G>T, p.Glu158Ter (NM_001407296.1); c.532G>T, p.Glu178Ter (NM_001407297.1, NM_001407298.1, NM_001407299.1 and 3 more transcripts); c.-354G>T (NM_001407304.1, NM_001407305.1, NM_001407306.1 and 5 more transcripts); c.48+5096G>T (NM_001407314.1); c.-105+5096G>T (NM_001407313.1, NM_001407312.1); short protein forms E158*, E178*.
Identifiers: ClinVar variation 2673859 (VCV002673859.2), dbSNP rs1597098960, ClinGen allele CA395136941.

ClinVar aggregate classification (germline): Pathogenic/Likely pathogenic. Review status: criteria provided, multiple submitters, no conflicts (2 of 4 stars). 2 submissions from 2 submitters: Pathogenic (1); Likely pathogenic (1). Last evaluated 2023-09-06.

Conditions:
Familial cancer of breast. Also called: Hereditary breast cancer; BREAST CANCER, FAMILIAL; hereditary breast carcinoma. Identifiers: Orphanet 227535, MedGen C0346153, MONDO:0016419, OMIM 114480. Disease mechanism: loss of function.

Submissions (2):

Myriad Genetics, Inc.
Classification: Pathogenic for Familial cancer of breast. Last evaluated: 2023-09-06. Review status: criteria provided, single submitter. Criteria: Myriad Autosomal Dominant, Autosomal Recessive and X-Linked Classification Criteria (2023). Collection method: clinical testing. Allele origin: unknown.
Comment: This variant is considered pathogenic. This variant creates a termination codon and is predicted to result in premature protein truncation.

Baylor Genetics
Classification: Likely pathogenic for Familial cancer of breast. Last evaluated: 2022-02-27. Review status: criteria provided, single submitter. Criteria: ACMG Guidelines, 2015. Collection method: clinical testing. Allele origin: unknown.